The following is an entry in ClinVar:

ClinVar aggregate classification (germline): Pathogenic (1 of 4 stars; one submission).

Conditions:
Neurodevelopmental disorder with hypotonia, language delay, and skeletal defects with or without seizures (NEDHLSS). Identifiers: MedGen C5774213, MONDO:0859286, OMIM 620029.

Submission:

Victorian Clinical Genetics Services, Murdoch Childrens Research Institute
Classification: Pathogenic for Neurodevelopmental disorder with hypotonia, language delay, and skeletal defects with or without seizures. Last evaluated: 2024-10-09. Review status: criteria provided, single submitter. Criteria: ACMG Guidelines, 2015. Collection method: clinical testing. Allele origin: germline. Inheritance: Autosomal dominant inheritance. Affected: yes.
Comment: Based on the classification scheme VCGS_Germline_v1.3.4, this variant is classified as Pathogenic. Following criteria are met: 0103 - Loss of function and gain of function are known mechanisms of disease in this gene. Loss-of-function variants are associated with neurodevelopmental disorder with hypotonia, language delay, and skeletal defects with or without seizures (MIM#620029) (PMID: 34163037). Gain-of-function missense variants result in loss of channel inactivation and increased current, and are associated with long QT syndrome 8 (MIM#618447) and Timothy syndrome (MIM#601005, PMID: 25260352). (I) 0107 - This gene is associated with autosomal dominant disease. (I) 0115 - Variants in this gene are known to have variable expressivity. Parents with the same variant as their affected child have been observed to have a less severe phenotype (PMID: 34163037). (I) 0201 - Variant is predicted to cause nonsense-mediated decay (NMD) and loss of protein (premature termination codon is located at least 54 nucleotides upstream of the final exon-exon junction). (SP) 0251 - This variant is heterozygous. (I) 0301 - Variant is absent from gnomAD (both v2 and v3). (SP) 0701 - Other NMD-predicted variants comparable to the one identified in this case have very strong previous evidence for pathogenicity (DECIPHER, PMID: 34163037). (SP) 0807 - This variant has no previous evidence of pathogenicity. (I) 0905 - No published segregation evidence has been identified for this variant. (I) 1007 - No published functional evidence has been identified for this variant. (I) 1208 - Inheritance information for this variant is not currently available in this individual. (I) Legend: (SP) - Supporting pathogenic, (I) - Information, (SB) - Supporting benign

Literature cited by the submitters: PubMed 25260352; PubMed 34163037.

NM_000719.7(CACNA1C):c.4097_4101del (p.Leu1366fs)

Gene: CACNA1C (calcium voltage-gated channel subunit alpha1 C; plus strand). Cytogenetic location: 12p13.33.
Variant type: Deletion.
Coding change: c.4097_4101del on transcript NM_000719.7 (MANE Select); coding-DNA positions 4097 to 4101, 5 bases deleted (TGATC; older notation c.4097_4101delTGATC).
Protein change: p.Leu1366fs; shifts the reading frame from leucine 1366.
Molecular consequence: frameshift variant.
Genome position (GRCh38, 1-based): chr12:2,653,857-2,653,861, TGATC deleted; deleting any 5 consecutive bases within chr12:2,653,856-2,653,861 gives the same sequence; the c. name uses the placement nearest the transcript's 3' end. VCF-style (leftmost placement, unchanged base first): chr12-2653855-CCTGAT-C. GRCh37 (hg19) VCF-style: chr12-2763021-CCTGAT-C.
Other names: c.4241_4245del, p.Leu1414fs (NM_001129827.2, NM_199460.4); c.4163_4167del, p.Leu1388fs (NM_001129829.2); c.4097_4101del, p.Leu1366fs (NM_001129830.3, NM_001129833.2, NM_001129834.2 and 7 more transcripts); c.4181_4185del, p.Leu1394fs (NM_001129831.2); c.4157_4161del, p.Leu1386fs (NM_001129832.2); c.4148_4152del, p.Leu1383fs (NM_001129836.2); c.4064_4068del, p.Leu1355fs (NM_001129837.2, NM_001129838.2, NM_001129846.2 and 1 more transcripts); c.4058_4062del, p.Leu1353fs (NM_001129839.2); and 1 more; short protein forms L1353fs, L1355fs, L1363fs, L1366fs, L1383fs, L1386fs, L1388fs, L1394fs.
Identifiers: ClinVar variation 3377227 (VCV003377227.1).